The following is an entry in ClinVar:

ClinVar aggregate classification (germline): Pathogenic (1 of 4 stars; one submission).

Conditions:
Nemaline myopathy 2 (NEM2). Also called: Nemaline myopathy 2, autosomal recessive. Identifiers: MedGen C1850569, MONDO:0009725, OMIM 256030.

Submission:

Labcorp Genetics (formerly Invitae), Labcorp
Classification: Pathogenic for Nemaline myopathy 2. Last evaluated: 2025-06-29. Review status: criteria provided, single submitter. Criteria: Invitae Variant Classification Sherloc (09022015). Collection method: clinical testing. Allele origin: germline.
Comment: This sequence change inserts a large fragment of DNA, likely a transposable element, in exon 142 of the NEB gene (c.21230_21231ins?), causing a frameshift at codon 7077 (p.Glu7077fs). The exact size and sequence of the insertion cannot be determined by the current assay. However, the insertion is expected to result in an absent or disrupted protein product. This variant is not present in population databases (gnomAD no frequency). This variant has not been reported in the literature in individuals affected with NEB-related conditions. Retrotransposon insertions including LINE1 (L1), Alu, and SVA (SINE-VNTR-Alu) have been reported to be disease-causing through disruption of either a coding region or splice site (PMID: 19763152, 20307669, 22406018) and loss-of-function variants in NEB are known to be pathogenic (PMID: 25205138). For these reasons, this variant has been classified as Pathogenic.

Literature cited by the submitters: PubMed 19763152; PubMed 20307669; PubMed 22406018; PubMed 25205138.

NM_001164508.2(NEB):c.21230_21231insGGCCGGGCGCGGTGGCTCACGCCTGTAATCCCAGCACTTTGGGAGGCCGAGGCGGGCGGATCACGAGNNNNNNNNNNAAAAAAAAAAAAAAAAAAAAAAAGAAGTATTTGA (p.Glu7077_Arg7078insAlaGlyArgGlyGlySerArgLeuTer)

Gene: NEB (nebulin; minus strand). Cytogenetic location: 2q23.3.
Variant type: Insertion.
Coding change: c.21230_21231insGGCCGGGCGCGGTGGCTCACGCCTGTAATCCCAGCACTTTGGGAGGCCGAGGCGGGCGGATCACGAGNNNNNNNNNNAAAAAAAAAAAAAAAAAAAAAAAGAAGTATTTGA on transcript NM_001164508.2 (MANE Select); coding-DNA positions 21230 to 21231, GGCCGGGCGCGGTGGCTCACGCCTGTAATCCCAGCACTTTGGGAGGCCGAGGCGGGCGGATCACGAGNNNNNNNNNNAAAAAAAAAAAAAAAAAAAAAAAGAAGTATTTGA inserted.
Protein change: p.Glu7077_Arg7078insAlaGlyArgGlyGlySerArgLeuTer.
Molecular consequence: nonsense, inframe insertion.
Genome position: GRCh38: chr2:151,535,786-151,535,787. GRCh37 (hg19): chr2:152,392,300-152,392,301.
Other names: c.21230_21231insGGCCGGGCGCGGTGGCTCACGCCTGTAATCCCAGCACTTTGGGAGGCCGAGGCGGGCGGATCACGAGNNNNNNNNNNAAAAAAAAAAAAAAAAAAAAAAAGAAGTATTTGA, p.Glu7077_Arg7078insAlaGlyArgGlyGlySerArgLeuTer (NM_001164507.2, NM_001271208.2); c.16127_16128insGGCCGGGCGCGGTGGCTCACGCCTGTAATCCCAGCACTTTGGGAGGCCGAGGCGGGCGGATCACGAGNNNNNNNNNNAAAAAAAAAAAAAAAAAAAAAAAGAAGTATTTGA, p.Glu5376_Arg5377insAlaGlyArgGlyGlySerArgLeuTer (NM_004543.5).
Identifiers: ClinVar variation 2773056 (VCV002773056.3), dbSNP rs2552147210.